The following is an entry in ClinVar:

NM_033305.3(VPS13A):c.1616_1617delinsACTGTCTCT (p.Ser539fs)

Gene: VPS13A (vacuolar protein sorting 13 homolog A; plus strand). Cytogenetic location: 9q21.2.
Variant type: Indel.
Coding change: c.1616_1617delinsACTGTCTCT on transcript NM_033305.3 (MANE Select); coding-DNA positions 1616 to 1617, CA replaced by ACTGTCTCT.
Protein change: p.Ser539fs; shifts the reading frame from serine 539.
Molecular consequence: frameshift variant.
Genome position (GRCh38, 1-based): chr9:77,238,022-77,238,023, CA replaced by ACTGTCTCT. VCF-style: chr9-77238022-CA-ACTGTCTCT. GRCh37 (hg19) VCF-style: chr9-79852938-CA-ACTGTCTCT.
Other names: c.1616_1617delinsACTGTCTCT, p.Ser539fs (NM_001018037.2, NM_001018038.3, NM_015186.4); short protein forms S539fs.
Identifiers: ClinVar variation 5010913 (VCV005010913.1).
Genomic context (GRCh38, chr9:77,238,022, plus strand): 5'-TTTACTGATCGCTGACTTTTTTCTTTTTTTTTTAATGCAGATTTGAAACTAAAATAGATT[CA>ACTGTCTCT]TTTCATATTACTGGCTTACCAGATAATTCAGAAAAACCCCGCCTCCTGTCTTCATTGGAT-3'

ClinVar aggregate classification (germline): Pathogenic (1 of 4 stars; one submission).

Conditions:
VPS13A-related neurodegenerative disease. Also called: ACANTHOCYTOSIS WITH NEUROLOGIC DISORDER; LEVINE-CRITCHLEY SYNDROME; Choreoacanthocytosis; Chorea-acanthocytosis; Choreaacanthocytosis; VPS13A Disease. Identifiers: Orphanet 2388, MedGen C0393576, MONDO:0008695, OMIM 200150.

Submission:

Myriad Genetics, Inc.
Classification: Pathogenic for VPS13A-related neurodegenerative disease. Last evaluated: 2024-05-14. Review status: criteria provided, single submitter. Criteria: Myriad Autosomal Dominant, Autosomal Recessive and X-Linked Classification Criteria (2023). Collection method: clinical testing. Allele origin: unknown.
Comment: NM_033305.2(VPS13A):c.1616_1617del2ins9(S539Yfs*12) is expected to be pathogenic in the context of VPS13A disease. This variant is predicted to lead to an abnormal or absent protein product due to the creation of a premature termination codon in VPS13A, a gene where loss-of-function variants are known to be pathogenic. Please note: this variant was assessed in the context of healthy population screening.